The following is an entry in ClinVar:

NM_000222.3(KIT):c.1040A>G (p.Gln347Arg)

Gene: KIT (KIT proto-oncogene, receptor tyrosine kinase; plus strand). Cytogenetic location: 4q12.
Variant type: single nucleotide variant.
Coding change: c.1040A>G on transcript NM_000222.3 (MANE Select); coding-DNA position 1040, A replaced by G.
Protein change: p.Gln347Arg; replaces glutamine 347 with arginine.
Molecular consequence: missense variant.
Genome position (GRCh38, 1-based): chr4:54,707,212, A>G. VCF-style: chr4-54707212-A-G. GRCh37 (hg19) VCF-style: chr4-55573378-A-G.
Other names: c.1040A>G, p.Gln347Arg (NM_001093772.2, NM_001385285.1, NM_001385286.1); c.1043A>G, p.Gln348Arg (NM_001385284.1, NM_001385288.1, NM_001385290.1 and 1 more transcripts); short protein forms Q348R, Q347R.
Identifiers: ClinVar variation 1420127 (VCV001420127.6), dbSNP rs2109705509, ClinGen allele CA356901023.

ClinVar aggregate classification (germline): Uncertain significance (1 of 4 stars; one submission).

Conditions:
Gastrointestinal stromal tumor. Also called: Gastrointestinal stroma tumor; Gastrointestinal stromal tumor, somatic. Identifiers: Orphanet 44890, MedGen C0238198, MeSH D046152, MONDO:0011719, OMIM 606764, HP:0100723.

Submission:

Labcorp Genetics (formerly Invitae), Labcorp
Classification: Uncertain significance for Gastrointestinal stromal tumor. Last evaluated: 2024-11-24. Review status: criteria provided, single submitter. Criteria: Invitae Variant Classification Sherloc (09022015). Collection method: clinical testing. Allele origin: germline.
Comment: This sequence change replaces glutamine, which is neutral and polar, with arginine, which is basic and polar, at codon 347 of the KIT protein (p.Gln347Arg). This variant is not present in population databases (gnomAD no frequency). This variant has not been reported in the literature in individuals affected with KIT-related conditions. ClinVar contains an entry for this variant (Variation ID: 1420127). An algorithm developed to predict the effect of missense changes on protein structure and function outputs the following: PolyPhen-2: "Benign". The arginine amino acid residue is found in multiple mammalian species, which suggests that this missense change does not adversely affect protein function. In summary, the available evidence is currently insufficient to determine the role of this variant in disease. Therefore, it has been classified as a Variant of Uncertain Significance.